The following is an entry in ClinVar:

ClinVar aggregate classification (germline): Uncertain significance (1 of 4 stars; one submission).

Allele frequency attached by ClinVar (database versions not stated): gnomAD exomes below 0.00001.
gnomAD v4.1: 1 of 1,614,156 alleles (0.000062%); highest among the groups gnomAD compares: Non-Finnish European, 0.000085%; no homozygotes.

Submission:

Labcorp Genetics (formerly Invitae), Labcorp
Classification: Uncertain significance. Last evaluated: 2022-07-25. Review status: criteria provided, single submitter. Criteria: Invitae Variant Classification Sherloc (09022015). Collection method: clinical testing. Allele origin: germline.
Comment: In summary, the available evidence is currently insufficient to determine the role of this variant in disease. Therefore, it has been classified as a Variant of Uncertain Significance. Algorithms developed to predict the effect of missense changes on protein structure and function (SIFT, PolyPhen-2, Align-GVGD) all suggest that this variant is likely to be disruptive. This variant has not been reported in the literature in individuals affected with RP1-related conditions. This variant is not present in population databases (gnomAD no frequency). This sequence change replaces leucine, which is neutral and non-polar, with arginine, which is basic and polar, at codon 1133 of the RP1 protein (p.Leu1133Arg).

NM_006269.2(RP1):c.3398T>G (p.Leu1133Arg)

Gene: RP1 (RP1 axonemal microtubule associated; plus strand). Cytogenetic location: 8q12.1.
Variant type: single nucleotide variant.
Coding change: c.3398T>G on transcript NM_006269.2 (MANE Select); coding-DNA position 3398, T replaced by G.
Protein change: p.Leu1133Arg; replaces leucine 1133 with arginine.
Molecular consequence: missense variant. On other transcripts: intron variant (1).
Genome position (GRCh38, 1-based): chr8:54,627,280, T>G. VCF-style: chr8-54627280-T-G. GRCh37 (hg19) VCF-style: chr8-55539840-T-G.
Other names: c.787+4992T>G (NM_001375654.1); short protein forms L1133R.
Identifiers: ClinVar variation 2016916 (VCV002016916.4), dbSNP rs897818278, ClinGen allele CA370996272.